The following is an entry in ClinVar:

NM_000243.3(MEFV):c.38T>A (p.Leu13Gln)

Gene: MEFV (MEFV innate immunity regulator, pyrin; minus strand). Cytogenetic location: 16p13.3.
Variant type: single nucleotide variant.
Coding change: c.38T>A on transcript NM_000243.3 (MANE Select); coding-DNA position 38, T replaced by A.
Protein change: p.Leu13Gln; replaces leucine 13 with glutamine.
Molecular consequence: missense variant.
Genome position (GRCh38, 1-based): chr16:3,256,550, A>T on the plus strand (T>A on the coding strand, the complement: MEFV is on the minus strand). VCF-style: chr16-3256550-A-T. GRCh37 (hg19) VCF-style: chr16-3306550-A-T.
Other names: c.38T>A, p.Leu13Gln (NM_001198536.2); short protein forms L13Q.
Identifiers: ClinVar variation 1736008 (VCV001736008.2), dbSNP rs1596360011, ClinGen allele CA394485619.

ClinVar aggregate classification (germline): Uncertain significance (1 of 4 stars; one submission).

Conditions:
Inborn genetic diseases. Identifiers: MedGen C0950123, MeSH D030342.

Allele frequency attached by ClinVar (database versions not stated): TOPMed below 0.00001.

Submission:

Ambry Genetics
Classification: Uncertain significance for Inborn genetic diseases. Last evaluated: 2021-06-14. Review status: criteria provided, single submitter. Criteria: Ambry Variant Classification Scheme 2023. Collection method: clinical testing. Allele origin: germline.
Comment: The p.L13Q variant (also known as c.38T>A), located in coding exon 1 of the MEFV gene, results from a T to A substitution at nucleotide position 38. The leucine at codon 13 is replaced by glutamine, an amino acid with dissimilar properties. This amino acid position is conserved. In addition, in silico predictors for this gene do not accurately predict pathogenicity. Since supporting evidence is limited at this time, the clinical significance of this alteration remains unclear.